The following is an entry in ClinVar:

NM_001942.4(DSG1):c.1940G>T (p.Gly647Val)

Genes: DSG1 (desmoglein 1; plus strand), DSG1-AS1 (DSG1 antisense RNA 1; minus strand). Cytogenetic location: 18q12.1.
Variant type: single nucleotide variant.
Coding change: c.1940G>T on transcript NM_001942.4 (MANE Select); coding-DNA position 1940, G replaced by T.
Protein change: p.Gly647Val; replaces glycine 647 with valine.
Molecular consequence: missense variant.
Genome position (GRCh38, 1-based): chr18:31,346,038, G>T. VCF-style: chr18-31346038-G-T. GRCh37 (hg19) VCF-style: chr18-28926001-G-T.
Other names: short protein forms G647V.
Identifiers: ClinVar variation 3646288 (VCV003646288.2).

ClinVar aggregate classification (germline): Uncertain significance (1 of 4 stars; one submission).

Submission:

Labcorp Genetics (formerly Invitae), Labcorp
Classification: Uncertain significance. Last evaluated: 2024-03-16. Review status: criteria provided, single submitter. Criteria: Invitae Variant Classification Sherloc (09022015). Collection method: clinical testing. Allele origin: germline.
Comment: This sequence change replaces glycine, which is neutral and non-polar, with valine, which is neutral and non-polar, at codon 647 of the DSG1 protein (p.Gly647Val). This variant is not present in population databases (gnomAD no frequency). This variant has not been reported in the literature in individuals affected with DSG1-related conditions. Advanced modeling of protein sequence and biophysical properties (such as structural, functional, and spatial information, amino acid conservation, physicochemical variation, residue mobility, and thermodynamic stability) performed at Invitae indicates that this missense variant is not expected to disrupt DSG1 protein function with a negative predictive value of 80%. In summary, the available evidence is currently insufficient to determine the role of this variant in disease. Therefore, it has been classified as a Variant of Uncertain Significance.